The following is an entry in ClinVar:

NM_000785.4(CYP27B1):c.690G>A (p.Val230=)

Gene: CYP27B1 (cytochrome P450 family 27 subfamily B member 1; minus strand). Cytogenetic location: 12q14.1.
Variant type: single nucleotide variant.
Coding change: c.690G>A on transcript NM_000785.4 (MANE Select); coding-DNA position 690, G replaced by A.
Protein change: p.Val230=; no amino-acid change (valine 230 retained).
Molecular consequence: synonymous variant.
Genome position (GRCh38, 1-based): chr12:57,765,111, C>T on the plus strand (G>A on the coding strand, the complement: CYP27B1 is on the minus strand). VCF-style: chr12-57765111-C-T. GRCh37 (hg19) VCF-style: chr12-58158894-C-T.
Other names: c.690G>A (NM_000785.3).
Identifiers: ClinVar variation 1094471 (VCV001094471.12), dbSNP rs61734540, ClinGen allele CA6658355.
Genomic context (GRCh38, chr12:57,765,111, plus strand): 5'-CCAGGGCCCAGGCACAAGGTGGCGCAGCCAGTGGGGCATCGCCATGGTCAACAGCGTGGA[C>T]ACAAACACCGAGCCCACAGCGCGGATGAAGGTCTCCGTGTCGGGTGGCACTTGAGCCTCC-3'
Protein context (NP_000776.1, residues 220-240): TFIRAVGSVF[Val230=]STLLTMAMPH

ClinVar aggregate classification (germline): Likely benign. Review status: criteria provided, multiple submitters, no conflicts (2 of 4 stars). 3 submissions from 3 submitters: Likely benign (2). 1 of the submissions does not count toward it. Last evaluated 2026-01-08.

Conditions:
Vitamin D-dependent rickets, type 1A. Also called: PDDR IA; PSEUDOVITAMIN D-DEFICIENCY RICKETS, TYPE IA; VITAMIN D HYDROXYLATION-DEFICIENT RICKETS, TYPE 1A. Identifiers: MedGen CN283242, MONDO:0020723, OMIM 264700.
CYP27B1-related disorder. Also called: CYP27B1-related condition.

Allele frequency attached by ClinVar (database versions not stated): gnomAD exomes 0.00006 and 0.00014; ExAC 0.00019; TOPMed 0.00039; gnomAD 0.00041 and 0.00042; ESP Exome Variant Server 0.00069; 1000 Genomes Project 30x 0.00078; 1000 Genomes Project 0.00080.

Submissions (3):

Labcorp Genetics (formerly Invitae), Labcorp
Classification: Likely benign. Last evaluated: 2026-01-08. Review status: criteria provided, single submitter. Criteria: Invitae Variant Classification Sherloc (09022015). Collection method: clinical testing. Allele origin: germline.

Fulgent Genetics
Classification: Likely benign for Vitamin D-dependent rickets, type 1A. Last evaluated: 2021-08-19. Review status: criteria provided, single submitter. Criteria: ACMG Guidelines, 2015. Collection method: clinical testing. Allele origin: unknown.

PreventionGenetics, part of Exact Sciences
Classification: Likely benign for CYP27B1-related condition. Last evaluated: 2021-01-05. Review status: no assertion criteria provided. Collection method: clinical testing. Allele origin: germline. Not counted in ClinVar's aggregate classification.
Comment: This variant is classified as likely benign based on ACMG/AMP sequence variant interpretation guidelines (Richards et al. 2015 PMID: 25741868, with internal and published modifications).